The following is an entry in ClinVar:

ClinVar aggregate classification (germline): Uncertain significance (1 of 4 stars; one submission).

Allele frequency attached by ClinVar (database versions not stated): gnomAD exomes 0.00001; gnomAD 0.00002; TOPMed 0.00002.
gnomAD v4.1: 19 of 1,551,924 alleles (0.0012%); highest among the groups gnomAD compares: East Asian, 0.0098%; no homozygotes.

Submission:

Labcorp Genetics (formerly Invitae), Labcorp
Classification: Uncertain significance. Last evaluated: 2022-08-09. Review status: criteria provided, single submitter. Criteria: Invitae Variant Classification Sherloc (09022015). Collection method: clinical testing. Allele origin: germline.
Comment: This sequence change replaces threonine, which is neutral and polar, with methionine, which is neutral and non-polar, at codon 318 of the KPNA7 protein (p.Thr318Met). The frequency data for this variant in the population databases is considered unreliable, as metrics indicate poor data quality at this position in the gnomAD database. This variant has not been reported in the literature in individuals affected with KPNA7-related conditions. ClinVar contains an entry for this variant (Variation ID: 1506197). Algorithms developed to predict the effect of missense changes on protein structure and function (SIFT, PolyPhen-2, Align-GVGD) all suggest that this variant is likely to be disruptive. In summary, the available evidence is currently insufficient to determine the role of this variant in disease. Therefore, it has been classified as a Variant of Uncertain Significance.

NM_001145715.3(KPNA7):c.953C>T (p.Thr318Met)

Gene: KPNA7 (karyopherin subunit alpha 7; minus strand). Cytogenetic location: 7q22.1.
Variant type: single nucleotide variant.
Coding change: c.953C>T on transcript NM_001145715.3 (MANE Select); coding-DNA position 953, C replaced by T.
Protein change: p.Thr318Met; replaces threonine 318 with methionine.
Molecular consequence: missense variant.
Genome position (GRCh38, 1-based): chr7:99,185,110, G>A on the plus strand (C>T on the coding strand, the complement: KPNA7 is on the minus strand). VCF-style: chr7-99185110-G-A. GRCh37 (hg19) VCF-style: chr7-98782733-G-A.
Other names: short protein forms T318M.
Identifiers: ClinVar variation 1506197 (VCV001506197.5), dbSNP rs879141354, ClinGen allele CA163745364.